The following is an entry in ClinVar:

NM_000245.4(MET):c.2102+7T>C

Gene: MET (MET proto-oncogene, receptor tyrosine kinase; plus strand). Cytogenetic location: 7q31.2.
Variant type: single nucleotide variant.
Coding change: c.2102+7T>C on transcript NM_000245.4 (MANE Select); 7 bases into the intron after coding-DNA position 2102, T replaced by C.
Molecular consequence: intron variant.
Genome position (GRCh38, 1-based): chr7:116,757,781, T>C. VCF-style: chr7-116757781-T-C. GRCh37 (hg19) VCF-style: chr7-116397835-T-C.
Other names: c.2102+7T>C (NM_001127500.3, NM_001324401.3, NM_001127500.2); c.812+7T>C (NM_001324402.2).
Identifiers: ClinVar variation 701669 (VCV000701669.15), dbSNP rs1584941903, ClinGen allele CA915945439.

ClinVar aggregate classification (germline): Conflicting classifications of pathogenicity. Review status: criteria provided, conflicting classifications (1 of 4 stars). 5 submissions from 5 submitters: Uncertain significance (2); Likely benign (3). Last evaluated 2026-04-22.

Conditions:
Renal cell carcinoma. Identifiers: Orphanet 217071, MedGen C0007134, MeSH D002292, MONDO:0005086, HP:0005584.
Hereditary cancer. Identifiers: MedGen C1333600.
Papillary renal cell carcinoma type 1 (RCCP1). Also called: Renal adenocarcinoma; Renal cell carcinoma 1; Renal cell carcinoma, somatic; RENAL CELL CARCINOMA, PAPILLARY, 1, SOMATIC. Identifiers: Orphanet 47044, MedGen C1336839, OMIM 605074, HP:0011797.

Allele frequency attached by ClinVar (database versions not stated): gnomAD exomes 0.00001; gnomAD 0.00001; TOPMed 0.00003.
gnomAD v4.1: 11 of 1,613,352 alleles (0.00068%); highest among the groups gnomAD compares: Admixed American, 0.0033%; no homozygotes.

Submissions (5):

Dasa
Classification: Uncertain significance. Last evaluated: 2026-04-22. Review status: criteria provided, single submitter. Criteria: DASA Assertion Criteria. Collection method: clinical testing. Allele origin: germline.
Comment: NM_000245.4(MET):c.2102+7T>C is a splice-region variant predicted to affect normal RNA splicing. Multiple computational predictions suggest no deleterious effect on the gene or gene product. The variant is present at low frequency in population datasets. Based on the available data, this variant is classified as variant of uncertain significance.

Labcorp Genetics (formerly Invitae), Labcorp
Classification: Likely benign for Renal cell carcinoma. Last evaluated: 2026-01-12. Review status: criteria provided, single submitter. Criteria: Invitae Variant Classification Sherloc (09022015). Collection method: clinical testing. Allele origin: germline.

Quest Diagnostics Nichols Institute San Juan Capistrano
Classification: Uncertain significance. Last evaluated: 2025-08-19. Review status: criteria provided, single submitter. Criteria: Quest Diagnostics criteria. Collection method: clinical testing. Allele origin: unknown.

Myriad Genetics, Inc.
Classification: Likely benign for Papillary renal cell carcinoma type 1. Last evaluated: 2024-11-08. Review status: criteria provided, single submitter. Criteria: Myriad Autosomal Dominant, Autosomal Recessive and X-Linked Classification Criteria (2023). Collection method: clinical testing. Allele origin: unknown.
Comment: This variant is considered likely benign. This variant is intronic and is not expected to impact mRNA splicing.

Mendelics
Classification: Likely benign for Hereditary cancer. Last evaluated: 2024-09-11. Review status: criteria provided, single submitter. Criteria: ACMG Guidelines, 2015. Collection method: clinical testing. Allele origin: unknown.
Comment: This variant is considered likely benign or benign based on one or more of the following: it is predicted to be benign by multiple in silico algorithms, and/or has population frequency not consistent with disease, and/or has normal protein function, and/or has lack of segregation with disease, and/or has been detected in co-occurrence with known pathogenic variant, and/or has lack of disease association in case-control studies, and/or is located in a region inconsistent with a known cause of pathogenicity.